The following is an entry in ClinVar:

NM_003482.4(KMT2D):c.12737C>T (p.Pro4246Leu)

Gene: KMT2D (lysine methyltransferase 2D; minus strand). Cytogenetic location: 12q13.12.
Variant type: single nucleotide variant.
Coding change: c.12737C>T on transcript NM_003482.4 (MANE Select); coding-DNA position 12737, C replaced by T.
Protein change: p.Pro4246Leu; replaces proline 4246 with leucine.
Molecular consequence: missense variant.
Genome position (GRCh38, 1-based): chr12:49,031,968, G>A on the plus strand (C>T on the coding strand, the complement: KMT2D is on the minus strand). VCF-style: chr12-49031968-G-A. GRCh37 (hg19) VCF-style: chr12-49425751-G-A.
Other names: short protein forms P4246L.
Identifiers: ClinVar variation 2506294 (VCV002506294.2), dbSNP rs2498354689, ClinGen allele CA384709550.

ClinVar aggregate classification (germline): Uncertain significance. Review status: criteria provided, multiple submitters, no conflicts (2 of 4 stars). 2 submissions from 2 submitters: Uncertain significance (2). Last evaluated 2024-12-07.

Conditions:
Inborn genetic diseases. Identifiers: MedGen C0950123, MeSH D030342.

Allele frequency attached by ClinVar (database versions not stated): gnomAD exomes below 0.00001.
gnomAD v4.1: 1 of 1,569,576 alleles (0.000064%); highest among the groups gnomAD compares: Non-Finnish European, 0.000087%; no homozygotes.

Submissions (2):

Ambry Genetics
Classification: Uncertain significance for Inborn genetic diseases. Last evaluated: 2024-12-07. Review status: criteria provided, single submitter. Criteria: Ambry Variant Classification Scheme 2023. Collection method: clinical testing. Allele origin: germline.

Women's Health and Genetics/Laboratory Corporation of America, LabCorp
Classification: Uncertain significance. Last evaluated: 2023-05-11. Review status: criteria provided, single submitter. Criteria: LabCorp Variant Classification Summary - May 2015. Collection method: clinical testing. Allele origin: germline.
Comment: Variant summary: MLL2 (also known as KMT2D) c.12737C>T (p.Pro4246Leu) results in a non-conservative amino acid change in the encoded protein sequence. Two of four in-silico tools predict a benign effect of the variant on protein function. The variant was absent in 215816 control chromosomes (gnomAD). The available data on variant occurrences in the general population are insufficient to allow any conclusion about variant significance. To our knowledge, no occurrence of c.12737C>T in individuals affected with Kabuki Syndrome 1 and no experimental evidence demonstrating its impact on protein function have been reported. No clinical diagnostic laboratories have submitted clinical-significance assessments for this variant to ClinVar after 2014. Based on the evidence outlined above, the variant was classified as uncertain significance.